The following is an entry in ClinVar:

ClinVar aggregate classification (germline): Likely benign (1 of 4 stars; one submission).

Allele frequency attached by ClinVar (database versions not stated): TOPMed 0.00005; gnomAD 0.00011; gnomAD exomes 0.00013; 1000 Genomes Project 30x 0.00016; 1000 Genomes Project 0.00020; ExAC 0.00033.
gnomAD v4.1: 214 of 1,611,980 alleles (0.013%); highest among the groups gnomAD compares: South Asian, 0.05%; no homozygotes.

Submission:

CeGaT Center for Human Genetics Tuebingen
Classification: Likely benign. Last evaluated: 2024-03-01. Review status: criteria provided, single submitter. Criteria: CeGaT Center For Human Genetics Tuebingen Variant Classification Criteria Version 2. Collection method: clinical testing. Allele origin: germline. Affected: yes. Observed: 2 variant alleles.
Comment: GPNMB: BP4

NM_002510.3(GPNMB):c.226G>T (p.Gly76Cys)

Gene: GPNMB (glycoprotein nmb; plus strand). Cytogenetic location: 7p15.3.
Variant type: single nucleotide variant.
Coding change: c.226G>T on transcript NM_002510.3 (MANE Select); coding-DNA position 226, G replaced by T.
Protein change: p.Gly76Cys; replaces glycine 76 with cysteine.
Molecular consequence: missense variant.
Genome position (GRCh38, 1-based): chr7:23,254,171, G>T. VCF-style: chr7-23254171-G-T. GRCh37 (hg19) VCF-style: chr7-23293790-G-T.
Other names: c.226G>T, p.Gly76Cys (NM_001005340.2); short protein forms G76C.
Identifiers: ClinVar variation 3067283 (VCV003067283.21), dbSNP rs200247677, ClinGen allele CA4187307.